The following is an entry in ClinVar:

NM_000038.6(APC):c.834+2344A>G

Gene: APC (APC regulator of WNT signaling pathway; plus strand). Cytogenetic location: 5q22.2.
Variant type: single nucleotide variant.
Coding change: c.834+2344A>G on transcript NM_000038.6 (MANE Select); 2344 bases into the intron after coding-DNA position 834, A replaced by G.
Molecular consequence: intron variant.
Genome position (GRCh38, 1-based): chr5:112,803,727, A>G. VCF-style: chr5-112803727-A-G. GRCh37 (hg19) VCF-style: chr5-112139424-A-G.
Other names: c.834+2344A>G (NM_001354895.2, NM_001127510.3, NM_001354896.2 and 1 more transcripts); c.864+2344A>G (NM_001354897.2, NM_001354902.2); c.780+2344A>G (NM_001127511.3); c.759+2344A>G (NM_001354898.2, NM_001354904.2); c.-202+2344A>G (NM_001354906.2); c.750+2344A>G (NM_001354899.2); c.657+2344A>G (NM_001354900.2, NM_001354901.2, NM_001354905.2).
Identifiers: ClinVar variation 82516 (VCV000082516.2), dbSNP rs1613148, ClinGen allele CA014627.

ClinVar aggregate classification (germline): other (0 of 4 stars; one submission).

Conditions:
Familial colorectal cancer. Identifiers: MedGen CN280943, MONDO:0023113. Disease mechanism: loss of function.

Allele frequency attached by ClinVar (database versions not stated): 1000 Genomes Project 30x 0.26702; gnomAD 0.24537 and 0.25114; TOPMed 0.25308; 1000 Genomes Project 0.26478.
gnomAD v4.1: 37,152 of 152,110 alleles (24%); highest among the groups gnomAD compares: African/African-American, 47%; 6,049 homozygotes.

Submission:

Systems Biology Platform Zhejiang California International NanoSystems Institute
Classification: other for Familial colorectal cancer. Review status: no assertion criteria provided. Collection method: not provided. Allele origin: unknown.
ClinVar note: Converted during submission from cancer to other.